The following is an entry in ClinVar:

NM_007194.4(CHEK2):c.1447C>A (p.His483Asn)

Gene: CHEK2 (checkpoint kinase 2; minus strand). Cytogenetic location: 22q12.1.
Variant type: single nucleotide variant.
Coding change: c.1447C>A on transcript NM_007194.4 (MANE Select); coding-DNA position 1447, C replaced by A.
Protein change: p.His483Asn; replaces histidine 483 with asparagine.
Molecular consequence: missense variant.
Genome position (GRCh38, 1-based): chr22:28,694,046, G>T on the plus strand (C>A on the coding strand, the complement: CHEK2 is on the minus strand). VCF-style: chr22-28694046-G-T. GRCh37 (hg19) VCF-style: chr22-29090034-G-T.
Other names: c.1576C>A, p.His526Asn (NM_001005735.3); c.784C>A, p.His262Asn (NM_001257387.3); c.1246C>A, p.His416Asn (NM_001349956.3); c.1360C>A, p.His454Asn (NM_145862.3); short protein forms H526N, H262N, H416N, H483N, H454N.
Identifiers: ClinVar variation 1772816 (VCV001772816.6), dbSNP rs786203490, ClinGen allele CA411094009.
Genomic context (GRCh38, chr22:28,694,046, plus strand): 5'-GGGCTTCCCATGTATTTTATGCTAGCAGGCACTGTCCCACACCCACCTGAAGCCACGGGT[G>T]TCTTAAGGCTTCTTCTGTCGTAAAACGTGCCTTTGGATCCACTACCAACAACTTCTTGAC-3'
Protein context (NP_009125.1, residues 473-493): ARFTTEEALR[His483Asn]PWLQDEDMKR

ClinVar aggregate classification (germline): Uncertain significance. Review status: criteria provided, multiple submitters, no conflicts (2 of 4 stars). 2 submissions from 2 submitters: Uncertain significance (2). Last evaluated 2025-12-20.

Conditions:
Hereditary cancer-predisposing syndrome. Also called: Hereditary Cancer Syndrome; Hereditary neoplastic syndrome; Neoplastic Syndromes, Hereditary; Tumor predisposition. Identifiers: Orphanet 140162, MedGen C0027672, MeSH D009386, MONDO:0015356.
Familial cancer of breast. Also called: BREAST CANCER, FAMILIAL; Hereditary breast cancer; hereditary breast carcinoma. Identifiers: Orphanet 227535, MedGen C0346153, MONDO:0016419, OMIM 114480. Disease mechanism: loss of function.

Submissions (2):

Labcorp Genetics (formerly Invitae), Labcorp
Classification: Uncertain significance for Familial cancer of breast. Last evaluated: 2025-12-20. Review status: criteria provided, single submitter. Criteria: Invitae Variant Classification Sherloc (09022015). Collection method: clinical testing. Allele origin: germline.
Comment: This sequence change replaces histidine, which is basic and polar, with asparagine, which is neutral and polar, at codon 483 of the CHEK2 protein (p.His483Asn). This variant is not present in population databases (gnomAD no frequency). This variant has not been reported in the literature in individuals affected with CHEK2-related conditions. ClinVar contains an entry for this variant (Variation ID: 1772816). An algorithm developed to predict the effect of missense changes on protein structure and function (PolyPhen-2) suggests that this variant is likely to be disruptive. In summary, the available evidence is currently insufficient to determine the role of this variant in disease. Therefore, it has been classified as a Variant of Uncertain Significance.

Ambry Genetics
Classification: Uncertain significance for Hereditary cancer-predisposing syndrome. Last evaluated: 2025-03-04. Review status: criteria provided, single submitter. Criteria: Ambry Variant Classification Scheme 2023. Collection method: clinical testing. Allele origin: germline.
Comment: The p.H483N variant (also known as c.1447C>A), located in coding exon 12 of the CHEK2 gene, results from a C to A substitution at nucleotide position 1447. The histidine at codon 483 is replaced by asparagine, an amino acid with similar properties. This amino acid position is highly conserved in available vertebrate species. In addition, the in silico prediction for this alteration is inconclusive. Based on the available evidence, the clinical significance of this variant remains unclear.